The following is an entry in ClinVar:

ClinVar aggregate classification (germline): Uncertain significance (1 of 4 stars; one submission).

Conditions:
Odonto-onycho-dermal dysplasia. Identifiers: Orphanet 2721, MedGen C0796093, MONDO:0009773, OMIM 257980.
Tooth agenesis, selective, 4 (STHAG4). Also called: LATERAL INCISORS, ABSENCE OF; LATERAL INCISORS, PEGGED OR MISSING; SUCCEDANEOUS TEETH, AGENESIS OF; TOOTH AGENESIS, SELECTIVE, 4, WITH OR WITHOUT ECTODERMAL DYSPLASIA. Identifiers: Orphanet 99798, MedGen C1835492, MONDO:0007881, OMIM 150400. Disease mechanism: loss of function.

Allele frequency attached by ClinVar (database versions not stated): gnomAD exomes below 0.00001.

Submission:

Labcorp Genetics (formerly Invitae), Labcorp
Classification: Uncertain significance for Tooth agenesis, selective, 4; Odonto-onycho-dermal dysplasia. Last evaluated: 2023-08-24. Review status: criteria provided, single submitter. Criteria: Invitae Variant Classification Sherloc (09022015). Collection method: clinical testing. Allele origin: germline.
Comment: In summary, the available evidence is currently insufficient to determine the role of this variant in disease. Therefore, it has been classified as a Variant of Uncertain Significance. Advanced modeling of protein sequence and biophysical properties (such as structural, functional, and spatial information, amino acid conservation, physicochemical variation, residue mobility, and thermodynamic stability) performed at Invitae indicates that this missense variant is not expected to disrupt WNT10A protein function. This missense change has been observed in individual(s) with clinical features of WNT10A-related conditions (Invitae). In at least one individual the data is consistent with being in trans (on the opposite chromosome) from a pathogenic variant. This variant is not present in population databases (gnomAD no frequency). This sequence change replaces alanine, which is neutral and non-polar, with valine, which is neutral and non-polar, at codon 181 of the WNT10A protein (p.Ala181Val).

NM_025216.3(WNT10A):c.542C>T (p.Ala181Val)

Gene: WNT10A (Wnt family member 10A; plus strand). Cytogenetic location: 2q35.
Variant type: single nucleotide variant.
Coding change: c.542C>T on transcript NM_025216.3 (MANE Select); coding-DNA position 542, C replaced by T.
Protein change: p.Ala181Val; replaces alanine 181 with valine.
Molecular consequence: missense variant.
Genome position (GRCh38, 1-based): chr2:218,890,149, C>T. VCF-style: chr2-218890149-C-T. GRCh37 (hg19) VCF-style: chr2-219754871-C-T.
Other names: short protein forms A181V.
Identifiers: ClinVar variation 2939138 (VCV002939138.3), dbSNP rs2470312752, ClinGen allele CA350586141.
Genomic context (GRCh38, chr2:218,890,149, plus strand): 5'-CGTCCCGGCGAGGGGACGAGGAGGCCTTCCGTAGGAAGCTGCACCGCTTACAACTGGATG[C>T]ACTGCAGCGTGGTAAGGGCCTGAGCCATGGGGTCCCGGAACACCCAGCCCTGCCCACAGC-3'
Protein context (NP_079492.2, residues 171-191): RRKLHRLQLD[Ala181Val]LQRGKGLSHG